The following is an entry in ClinVar:

NC_000006.11:g.(?_70926600)_(70973020_?)del

Gene: COL9A1 (collagen type IX alpha 1 chain; minus strand). Cytogenetic location: 6q13.
Variant type: Deletion.
Identifiers: ClinVar variation 2424265 (VCV002424265.4).

ClinVar aggregate classification (germline): Uncertain significance (1 of 4 stars; one submission).

Submission:

Labcorp Genetics (formerly Invitae), Labcorp
Classification: Uncertain significance. Last evaluated: 2022-03-18. Review status: criteria provided, single submitter. Criteria: Invitae Variant Classification Sherloc (09022015). Collection method: clinical testing. Allele origin: germline.
Comment: In summary, the available evidence is currently insufficient to determine the role of this variant in disease. Therefore, it has been classified as a Variant of Uncertain Significance. This variant has not been reported in the literature in individuals affected with COL9A1-related conditions. This variant is a gross deletion of the genomic region encompassing exon(s) 19-38 of the COL9A1 gene, which includes the termination codon. This deletion extends beyond the assayed region for this gene and therefore may encompass additional genes. While this deletion is not anticipated to lead to nonsense mediated decay, it is expected to alter mRNA translation or result in a truncated protein product.